The following is an entry in ClinVar:

ClinVar aggregate classification (germline): Conflicting classifications of pathogenicity. Review status: criteria provided, conflicting classifications (1 of 4 stars). 7 submissions from 7 submitters: Uncertain significance (5); Likely benign (2). Last evaluated 2025-12-30.

Conditions:
Hereditary breast ovarian cancer syndrome. Also called: Hereditary breast and ovarian cancer; Hereditary breast and ovarian cancer syndrome; Breast and ovarian cancer; Hereditary breast and ovarian cancer syndrome (HBOC); Hereditary breast and/or ovarian cancer syndrome; BRCA1- and BRCA2-Associated Hereditary Breast and Ovarian Cancer. Identifiers: Orphanet 145, MedGen C0677776, MeSH D061325, MONDO:0003582. Disease mechanism: loss of function.
Hereditary cancer-predisposing syndrome. Also called: Hereditary Cancer Syndrome; Neoplastic Syndromes, Hereditary; Tumor predisposition; Hereditary neoplastic syndrome. Identifiers: Orphanet 140162, MedGen C0027672, MeSH D009386, MONDO:0015356.
BRCA2-related disorder. Also called: BRCA2-related condition; BRCA2-related disorders. Identifiers: MedGen CN239275.
Breast-ovarian cancer, familial, susceptibility to, 2 (BROVCA2). Also called: BRCA2 Hereditary Breast and Ovarian Cancer. Identifiers: Orphanet 145, MedGen C2675520, MONDO:0012933, OMIM 612555. Disease mechanism: loss of function.

Allele frequency attached by ClinVar (database versions not stated): gnomAD exomes below 0.00001.
gnomAD v4.1: 4 of 1,585,316 alleles (0.00025%); highest among the groups gnomAD compares: Non-Finnish European, 0.00034%; no homozygotes.

Submissions (7):

Labcorp Genetics (formerly Invitae), Labcorp
Classification: Likely benign for Hereditary breast ovarian cancer syndrome. Last evaluated: 2025-12-30. Review status: criteria provided, single submitter. Criteria: Invitae Variant Classification Sherloc (09022015). Collection method: clinical testing. Allele origin: germline.

Color Diagnostics, LLC DBA Color Health
Classification: Uncertain significance for Hereditary cancer-predisposing syndrome. Last evaluated: 2025-08-27. Review status: criteria provided, single submitter. Criteria: ACMG Guidelines, 2015. Collection method: clinical testing. Allele origin: germline.
Comment: This missense variant replaces arginine with serine at codon 1329 of the BRCA2 protein. Computational prediction suggests that this variant may not impact protein structure and function. A functional study has reported that this variant does not impact BRCA2 function as assayed by response to PARP inhibitors (PMID: 32444794). This variant has been detected in a breast cancer case-control meta-analysis in 0/60463 cases and 1/53461 unaffected individuals (PMID: 33471991Leiden Open Variation Database DB-ID BRCA2_002996). A multifactorial analysis has reached a combined likelihood ratio (LR) of 3.552 based on reported LR for co-occurrence with a pathogenic variant and personal and family history for 2 carriers (PMID: 31853058). This variant has been identified in 1/227200 chromosomes in the general population by the Genome Aggregation Database (gnomAD). The available evidence is insufficient to determine the role of this variant in disease conclusively. Therefore, this variant is classified as a Variant of Uncertain Significance.

All of Us Research Program, National Institutes of Health
Classification: Uncertain significance for Breast-ovarian cancer, familial, susceptibility to, 2. Last evaluated: 2023-12-01. Review status: criteria provided, single submitter. Criteria: ACMG Guidelines, 2015. Collection method: clinical testing. Allele origin: germline. Inheritance: Autosomal dominant inheritance. Observed: 3 variant alleles, 3 heterozygotes.
Comment: This missense variant replaces arginine with serine at codon 1329 of the BRCA2 protein. Computational prediction suggests that this variant may not impact protein structure and function (internally defined REVEL score threshold <= 0.5, PMID: 27666373). A functional study has reported that this variant does not impact BRCA2 function as assayed by response to PARP inhibitors (PMID: 32444794). This variant has been detected in a breast cancer case-control meta-analysis in 0/60463 cases and 1/53461 unaffected individuals (PMID: 33471991; Leiden Open Variation Database DB-ID BRCA2_002996). This variant has been identified in 1/227200 chromosomes in the general population by the Genome Aggregation Database (gnomAD). The available evidence is insufficient to determine the role of this variant in disease conclusively. Therefore, this variant is classified as a Variant of Uncertain Significance.

This study involves interpretation of variants in research participants for the purpose of population health screening. Participant phenotype was not available at the time of variant classification. Additional details can be found in publication PMID: 35346344, PMCID: PMC8962531

Ambry Genetics
Classification: Uncertain significance for Hereditary cancer-predisposing syndrome. Last evaluated: 2023-11-09. Review status: criteria provided, single submitter. Criteria: Ambry Variant Classification Scheme 2023. Collection method: clinical testing. Allele origin: germline.
Comment: The p.R1329S variant (also known as c.3987A>T and 4215A>T), located in coding exon 10 of the BRCA2 gene, results from an A to T substitution at nucleotide position 3987. The arginine at codon 1329 is replaced by serine, an amino acid with dissimilar properties. This amino acid position is not well conserved in available vertebrate species. In addition, this alteration is predicted to be tolerated by in silico analysis. Since supporting evidence is limited at this time, the clinical significance of this alteration remains unclear.

PreventionGenetics, part of Exact Sciences
Classification: Uncertain significance for BRCA2-related condition. Last evaluated: 2023-04-20. Review status: criteria provided, single submitter. Criteria: ACMG Guidelines, 2015. Collection method: clinical testing. Allele origin: germline.
Comment: The BRCA2 c.3987A>T variant is predicted to result in the amino acid substitution p.Arg1329Ser. To our knowledge, this variant has not been reported in the literature. This variant is reported in 0.00094% of alleles in individuals of European (Non-Finnish) descent in gnomAD. At this time, the clinical significance of this variant is uncertain due to the absence of conclusive functional and genetic evidence.

University of Washington Department of Laboratory Medicine, University of Washington
Classification: Likely benign for Hereditary cancer-predisposing syndrome. Last evaluated: 2023-03-23. Review status: criteria provided, single submitter. Criteria: Dines et al. (Genet Med. 2020). Collection method: curation. Allele origin: germline.
Comment: Missense variant in a coldspot region where missense variants are very unlikely to be pathogenic (PMID:31911673).

BRCA2 exon 11 coldspot. Reclassification based on statistical prior probability.

GeneDx
Classification: Uncertain significance. Last evaluated: 2016-04-26. Review status: criteria provided, single submitter. Criteria: GeneDx Variant Classification (06012015). Collection method: clinical testing. Allele origin: germline. Affected: yes.
Comment: This variant is denoted BRCA2 c.3987A>T at the cDNA level, p.Arg1329Ser (R1329S) at the protein level, and results in the change of an Arginine to a Serine (AGA>AGT). This variant, also known as BRCA2 c.4215A>T by alternate nomenclature, has not, to our knowledge, been published in the literature as pathogenic or benign. BRCA2 Arg1329Ser was not observed in approximately 6,500 individuals of European and African American ancestry in the NHLBI Exome Sequencing Project, indicating it is not a common benign variant in these populations. Since Arginine and Serine differ in some properties, this is considered a semi-conservative amino acid substitution. BRCA2 Arg1329Ser occurs at a position that is not conserved across species and is located in the RAD51 binding domain (Roy 2012). In silico analyses predict that this variant is unlikely to alter protein structure or function. Based on currently available information, it is unclear whether BRCA2 Arg1329Ser is pathogenic or benign. We consider it to be a variant of uncertain significance.

Literature cited by the submitters: PubMed 31853058 (cited by Color Diagnostics, LLC DBA Color Health); PubMed 32444794 (cited by Color Diagnostics, LLC DBA Color Health and All of Us Research Program, National Institutes of Health); PubMed 33471991 (cited by Color Diagnostics, LLC DBA Color Health and All of Us Research Program, National Institutes of Health).

NM_000059.4(BRCA2):c.3987A>T (p.Arg1329Ser)

Gene: BRCA2 (BRCA2 DNA repair associated; plus strand). Cytogenetic location: 13q13.1.
Variant type: single nucleotide variant.
Coding change: c.3987A>T on transcript NM_000059.4 (MANE Select); coding-DNA position 3987, A replaced by T.
Protein change: p.Arg1329Ser; replaces arginine 1329 with serine.
Molecular consequence: missense variant.
Genome position (GRCh38, 1-based): chr13:32,338,342, A>T. VCF-style: chr13-32338342-A-T. GRCh37 (hg19) VCF-style: chr13-32912479-A-T.
Other names: short protein forms R1329S.
Identifiers: ClinVar variation 186966 (VCV000186966.25), dbSNP rs786203361, ClinGen allele CA019337.